The following is an entry in ClinVar:

NM_198428.3(BBS9):c.802T>A (p.Phe268Ile)

Gene: BBS9 (Bardet-Biedl syndrome 9; plus strand). Cytogenetic location: 7p14.3.
Variant type: single nucleotide variant.
Coding change: c.802T>A on transcript NM_198428.3 (MANE Select); coding-DNA position 802, T replaced by A.
Protein change: p.Phe268Ile; replaces phenylalanine 268 with isoleucine.
Molecular consequence: missense variant. On other transcripts: non-coding transcript variant (3).
Genome position (GRCh38, 1-based): chr7:33,273,111, T>A. VCF-style: chr7-33273111-T-A. GRCh37 (hg19) VCF-style: chr7-33312723-T-A.
Other names: c.802T>A, p.Phe268Ile (NM_001033604.2, NM_001033605.2, NM_001348036.1 and 5 more transcripts); c.436T>A, p.Phe146Ile (NM_001348037.3, NM_001348044.3, NM_001348045.3 and 1 more transcripts); c.529T>A, p.Phe177Ile (NM_001348038.3, NM_001348039.3); c.667T>A, p.Phe223Ile (NM_001348042.3); short protein forms F223I, F146I, F177I, F268I.
Identifiers: ClinVar variation 962798 (VCV000962798.23), dbSNP rs939805930, ClinGen allele CA156719960.
Genomic context (GRCh38, chr7:33,273,111, plus strand): 5'-ATATGTATTGTCTCTTTCAATCAGTCGGCATCCTCTGTTTTTGTTCTTGGTGAGAGAAAC[T>A]TTTTTTGCCTTAAGGATAATGGACAAATTCGATTCATGAAGAAGCTTGATTGGAGCCCAA-3'
Protein context (NP_940820.1, residues 258-278): SSVFVLGERN[Phe268Ile]FCLKDNGQIR

ClinVar aggregate classification (germline): Uncertain significance. Review status: criteria provided, multiple submitters, no conflicts (2 of 4 stars). 2 submissions from 2 submitters: Uncertain significance (2). Last evaluated 2024-07-01.

Conditions:
Bardet-Biedl syndrome (BBS). Identifiers: Orphanet 110, MedGen C0752166, MONDO:0015229.

Allele frequency attached by ClinVar (database versions not stated): gnomAD exomes below 0.00001; TOPMed 0.00001.
gnomAD v4.1: 8 of 1,613,630 alleles (0.0005%); highest among the groups gnomAD compares: Middle Eastern, 0.017%; no homozygotes.

Submissions (2):

CeGaT Center for Human Genetics Tuebingen
Classification: Uncertain significance. Last evaluated: 2024-07-01. Review status: criteria provided, single submitter. Criteria: CeGaT Center For Human Genetics Tuebingen Variant Classification Criteria Version 2. Collection method: clinical testing. Allele origin: germline. Affected: yes. Observed: 1 variant allele.
Comment: BBS9: PM2

Labcorp Genetics (formerly Invitae), Labcorp
Classification: Uncertain significance for Bardet-Biedl syndrome. Last evaluated: 2021-09-01. Review status: criteria provided, single submitter. Criteria: Invitae Variant Classification Sherloc (09022015). Collection method: clinical testing. Allele origin: germline.
Comment: This sequence change replaces phenylalanine with isoleucine at codon 268 of the BBS9 protein (p.Phe268Ile). The phenylalanine residue is highly conserved and there is a small physicochemical difference between phenylalanine and isoleucine. This variant is not present in population databases (ExAC no frequency). This variant has not been reported in the literature in individuals affected with BBS9-related conditions. Algorithms developed to predict the effect of missense changes on protein structure and function are either unavailable or do not agree on the potential impact of this missense change (SIFT: "Deleterious"; PolyPhen-2: "Benign"; Align-GVGD: "Class C15"). In summary, the available evidence is currently insufficient to determine the role of this variant in disease. Therefore, it has been classified as a Variant of Uncertain Significance.